The following is an entry in ClinVar:

NM_005518.4(HMGCS2):c.*6-16T>C

Gene: HMGCS2 (3-hydroxy-3-methylglutaryl-CoA synthase 2; minus strand). Cytogenetic location: 1p12.
Variant type: single nucleotide variant.
Coding change: c.*6-16T>C on transcript NM_005518.4 (MANE Select); 16 bases into the intron before 6 bases downstream of the stop codon, T replaced by C.
Molecular consequence: intron variant.
Genome position (GRCh38, 1-based): chr1:119,748,857, A>G on the plus strand (T>C on the coding strand, the complement: HMGCS2 is on the minus strand). VCF-style: chr1-119748857-A-G. GRCh37 (hg19) VCF-style: chr1-120291480-A-G.
Other names: c.*6-16T>C (NM_001166107.1).
Identifiers: ClinVar variation 137555 (VCV000137555.2), dbSNP rs12096684, ClinGen allele CA291187.

ClinVar aggregate classification (germline): Benign. Review status: criteria provided, multiple submitters, no conflicts (2 of 4 stars). 2 submissions from 2 submitters: Benign (2). Last evaluated 2014-04-04.

Allele frequency attached by ClinVar (database versions not stated): gnomAD 0.02619 and 0.02448; TOPMed 0.02744; 1000 Genomes Project 0.03055; 1000 Genomes Project 30x 0.03264.

Submissions (2):

GeneDx
Classification: Benign. Last evaluated: 2014-04-04. Review status: criteria provided, single submitter. Criteria: GeneDx Variant Classification (06012015). Collection method: clinical testing. Allele origin: germline. Affected: yes.
Comment: This variant is considered likely benign or benign based on one or more of the following criteria: it is a conservative change, it occurs at a poorly conserved position in the protein, it is predicted to be benign by multiple in silico algorithms, and/or has population frequency not consistent with disease.

Breakthrough Genomics
Classification: Benign. Review status: criteria provided, single submitter. Criteria: ACMG Guidelines, 2015. Collection method: not provided. Allele origin: germline. Inheritance: Autosomal recessive inheritance. Affected: yes.